The following is an entry in ClinVar:

ClinVar aggregate classification (germline): Likely pathogenic. Review status: criteria provided, multiple submitters, no conflicts (2 of 4 stars). 2 submissions from 2 submitters: Likely pathogenic (2). Last evaluated 2024-05-01.

Conditions:
Methylmalonic acidemia (MMA). Also called: Isolated Methylmalonic Acidemia. Identifiers: MedGen C0268583, MeSH C537358, MONDO:0002012, HP:0002912.

Submissions (2):

Women's Health and Genetics/Laboratory Corporation of America, LabCorp
Classification: Likely pathogenic for Methylmalonic acidemia. Last evaluated: 2024-05-01. Review status: criteria provided, single submitter. Criteria: LabCorp Variant Classification Summary - May 2015. Collection method: clinical testing. Allele origin: germline.
Comment: Variant summary: MUT c.1957-899A>G (also reported as c.1957-898A>G) is located at a position not widely known to affect splicing. Several computational tools predict a significant impact on normal splicing: Three predict the variant strengthens a cryptic 5' donor site. Three predict the variant creates a 3' acceptor site. A minigene assay and RT-PCR analysis of patient cell lines found that this variant was associated with inclusion of a 76 bp pseudoexon between exons 11 and 12, spanning c.1957-974_1957-899 (Perez_2009). Exons 11 and 12 are in frame, therefore a 76 bp insertion is expected to result in a frameshift. There is no novel stop codon within the pseudoexon. Treatment of patient cell lines with antisense morpholino oligonucleotides targeting the site of this variant restored splicing to approximately 100% normal, indicating this variant does indeed cause aberrant splicing (Perez_2009). The frequency data for this variant in gnomAD is considered unreliable, as metrics indicate poor data quality at this position. However, a small control cohort including 100 alleles from individuals of Spanish ancestry did not find this variant (Perez_2009), suggesting it may be rare or absent in healthy individuals. c.1957-899A>G has been reported in the literature in two individuals affected with Methylmalonic Acidemia (Perez_2009, Merinero_2008). These data indicate that the variant may be associated with disease. Enzyme activity was low or undetectable in patient cell lines (Merinero_2008, Perez_2009). The following publications have been ascertained in the context of this evaluation (PMID: 17957493, 19862841). ClinVar contains an entry for this variant (Variation ID: 851451). Based on the evidence outlined above, the variant was classified as likely pathogenic.

Labcorp Genetics (formerly Invitae), Labcorp
Classification: Likely pathogenic. Last evaluated: 2024-02-09. Review status: criteria provided, single submitter. Criteria: Invitae Variant Classification Sherloc (09022015). Collection method: clinical testing. Allele origin: germline.
Comment: This sequence change falls in intron 11 of the MUT gene. It does not directly change the encoded amino acid sequence of the MUT protein. This variant is not present in population databases (gnomAD no frequency). This variant has been observed in individual(s) with methylmalonic aciduria (MMA) (PMID: 17957493, 19862841). This variant is also known as c.1957-898A>G. ClinVar contains an entry for this variant (Variation ID: 851451). Algorithms developed to predict the effect of sequence changes on RNA splicing suggest that this variant may create or strengthen a splice site. In summary, the currently available evidence indicates that the variant is pathogenic, but additional data are needed to prove that conclusively. Therefore, this variant has been classified as Likely Pathogenic.

Literature cited by the submitters: PubMed 17957493 (cited by Women's Health and Genetics/Laboratory Corporation of America, LabCorp and Labcorp Genetics (formerly Invitae), Labcorp); PubMed 19862841 (cited by Women's Health and Genetics/Laboratory Corporation of America, LabCorp and Labcorp Genetics (formerly Invitae), Labcorp); PubMed 17966092 (cited by Women's Health and Genetics/Laboratory Corporation of America, LabCorp).

NM_000255.4(MMUT):c.1957-899A>G

Gene: MMUT (methylmalonyl-CoA mutase; minus strand). Cytogenetic location: 6p12.3.
Variant type: single nucleotide variant.
Coding change: c.1957-899A>G on transcript NM_000255.4 (MANE Select); 899 bases into the intron before coding-DNA position 1957, A replaced by G.
Molecular consequence: intron variant.
Genome position (GRCh38, 1-based): chr6:49,436,522, T>C on the plus strand (A>G on the coding strand, the complement: MMUT is on the minus strand). VCF-style: chr6-49436522-T-C. GRCh37 (hg19) VCF-style: chr6-49404235-T-C.
Identifiers: ClinVar variation 851451 (VCV000851451.10), dbSNP rs1767133183, ClinGen allele CA916082832.
Genomic context (GRCh38, chr6:49,436,522, plus strand): 5'-AGGTATGGTGGCACGTGCCTGTAGTACCAGATACTCATATGGCTGAGGCAGAAGACTCAC[T>C]TGAACCCAGGAGGTGGAGGTTGTAGTGAGCCAAGATCATACCACTGCACTCCAGCATGGA-3'